The following is an entry in ClinVar:

ClinVar aggregate classification (germline): Likely pathogenic (1 of 4 stars; one submission).

Conditions:
Fetal akinesia deformation sequence 1 (FADS1). Also called: Fetal akinesia sequence; Pena-Shokeir syndrome type I. Identifiers: Orphanet 994, MedGen C1276035, MONDO:0100101, OMIM 208150, HP:0001989.
Congenital myasthenic syndrome 10. Also called: Myasthenia, limb-girdle, familial. Identifiers: Orphanet 590, MedGen C1850792, MONDO:0009690, OMIM 254300.

Submission:

Labcorp Genetics (formerly Invitae), Labcorp
Classification: Likely pathogenic for Congenital myasthenic syndrome 10; Fetal akinesia deformation sequence 1. Last evaluated: 2025-01-15. Review status: criteria provided, single submitter. Criteria: Invitae Variant Classification Sherloc (09022015). Collection method: clinical testing. Allele origin: germline.
Comment: This sequence change affects an acceptor splice site in intron 6 of the DOK7 gene. While this variant is not anticipated to result in nonsense mediated decay, it likely alters RNA splicing and results in a disrupted protein product. This variant is not present in population databases (gnomAD no frequency). Disruption of this splice site has been observed in individuals with congenital myasthenic syndrome (PMID: 20012313, 36099689; internal data). ClinVar contains an entry for this variant (Variation ID: 853716). Variants that disrupt the consensus splice site are a relatively common cause of aberrant splicing (PMID: 17576681, 9536098). Algorithms developed to predict the effect of sequence changes on RNA splicing suggest that this variant may disrupt the consensus splice site. In summary, the currently available evidence indicates that the variant is pathogenic, but additional data are needed to prove that conclusively. Therefore, this variant has been classified as Likely Pathogenic.

Literature cited by the submitters: PubMed 20012313; PubMed 36099689; PubMed 17576681; PubMed 9536098.

NM_173660.5(DOK7):c.773-2A>C

Gene: DOK7 (docking protein 7; plus strand). Cytogenetic location: 4p16.3.
Variant type: single nucleotide variant.
Coding change: c.773-2A>C on transcript NM_173660.5 (MANE Select); the canonical splice acceptor site of the intron before coding-DNA position 773, A replaced by C.
Molecular consequence: splice acceptor variant.
Genome position (GRCh38, 1-based): chr4:3,492,757, A>C. VCF-style: chr4-3492757-A-C. GRCh37 (hg19) VCF-style: chr4-3494484-A-C.
Other names: c.773-2A>C (NM_001301071.2); c.341-2A>C (NM_001363811.2); c.762-2A>C (NM_001164673.2); c.-158-2A>C (NM_001256896.2).
Identifiers: ClinVar variation 853716 (VCV000853716.10), dbSNP rs1229979805, ClinGen allele CA356115883.